The following is an entry in ClinVar:

NM_201384.3(PLEC):c.3886G>T (p.Val1296Leu)

Gene: PLEC (plectin; minus strand). Cytogenetic location: 8q24.3.
Variant type: single nucleotide variant.
Coding change: c.3886G>T on transcript NM_201384.3 (MANE Select); coding-DNA position 3886, G replaced by T.
Protein change: p.Val1296Leu; replaces valine 1296 with leucine.
Molecular consequence: missense variant.
Genome position (GRCh38, 1-based): chr8:143,927,036, C>A on the plus strand (G>T on the coding strand, the complement: PLEC is on the minus strand). VCF-style: chr8-143927036-C-A. GRCh37 (hg19) VCF-style: chr8-145001204-C-A.
Other names: c.3967G>T, p.Val1323Leu (NM_000445.5, NM_001410941.1); c.3844G>T, p.Val1282Leu (NM_201378.4); c.3820G>T, p.Val1274Leu (NM_201379.3); c.4297G>T, p.Val1433Leu (NM_201380.4); c.3790G>T, p.Val1264Leu (NM_201381.3); c.3886G>T, p.Val1296Leu (NM_201382.4); c.3898G>T, p.Val1300Leu (NM_201383.3); short protein forms V1274L, V1433L, V1282L, V1296L, V1300L, V1264L, V1323L.
Identifiers: ClinVar variation 3890147 (VCV003890147.2).

ClinVar aggregate classification (germline): Uncertain significance. Review status: criteria provided, multiple submitters, no conflicts (2 of 4 stars). 2 submissions from 2 submitters: Uncertain significance (2). Last evaluated 2025-04-18.

Conditions:
Epidermolysis bullosa simplex 5B, with muscular dystrophy (EBS5B). Also called: Epidermolysis bullosa simplex with muscular dystrophy; EPIDERMOLYSIS BULLOSA SIMPLEX AND LIMB-GIRDLE MUSCULAR DYSTROPHY. Identifiers: Orphanet 257, MedGen C2931072, MONDO:0009181, OMIM 226670.
Epidermolysis bullosa simplex, Ogna type (EBS5A). Also called: Pidermolysis bullosa simplex 5A, Ogna type; EPIDERMOLYSIS BULLOSA SIMPLEX 5A, OGNA TYPE. Identifiers: Orphanet 79401, MedGen C0432317, MONDO:0007555, OMIM 131950.
Autosomal recessive limb-girdle muscular dystrophy type 2Q (LGMDR17). Also called: MUSCULAR DYSTROPHY, LIMB-GIRDLE, AUTOSOMAL RECESSIVE 17. Identifiers: Orphanet 254361, MedGen C3150989, MONDO:0013390, OMIM 613723.
Epidermolysis bullosa simplex with nail dystrophy (EBS5D). Identifiers: MedGen C4225309, MONDO:0014661, OMIM 616487.
Epidermolysis bullosa simplex 5C, with pyloric atresia (EBS5C). Also called: Epidermolysis bullosa simplex with pyloric atresia; PLEC-Related Epidermolysis Bullosa with Pyloric Atresia; PLEC1-Related Epidermolysis Bullosa with Pyloric Atresia. Identifiers: Orphanet 158684, MedGen C2677349, MONDO:0012807, OMIM 612138.
Inborn genetic diseases. Identifiers: MedGen C0950123, MeSH D030342.

gnomAD v4.1: 1 of 1,612,438 alleles (0.000062%); highest among the groups gnomAD compares: African/African-American, 0.0013%; no homozygotes.

Submissions (2):

Labcorp Genetics (formerly Invitae), Labcorp
Classification: Uncertain significance for Autosomal recessive limb-girdle muscular dystrophy type 2Q; Epidermolysis bullosa simplex, Ogna type; Epidermolysis bullosa simplex with nail dystrophy; Epidermolysis bullosa simplex 5C, with pyloric atresia; Epidermolysis bullosa simplex 5B, with muscular dystrophy. Last evaluated: 2025-04-18. Review status: criteria provided, single submitter. Criteria: Invitae Variant Classification Sherloc (09022015). Collection method: clinical testing. Allele origin: germline.
Comment: This sequence change replaces valine, which is neutral and non-polar, with leucine, which is neutral and non-polar, at codon 1323 of the PLEC protein (p.Val1323Leu). This variant is present in population databases (no rsID available, gnomAD 0.01%). This variant has not been reported in the literature in individuals affected with PLEC-related conditions. Experimental studies and prediction algorithms are not available or were not evaluated, and the functional significance of this variant is currently unknown. In summary, the available evidence is currently insufficient to determine the role of this variant in disease. Therefore, it has been classified as a Variant of Uncertain Significance.

Ambry Genetics
Classification: Uncertain significance for Inborn genetic diseases. Last evaluated: 2024-12-30. Review status: criteria provided, single submitter. Criteria: Ambry Variant Classification Scheme 2023. Collection method: clinical testing. Allele origin: germline.